The following is an entry in ClinVar:

ClinVar aggregate classification (germline): Uncertain significance (1 of 4 stars; one submission).

Allele frequency attached by ClinVar (database versions not stated): gnomAD exomes below 0.00001.
gnomAD v4.1: 2 of 1,613,828 alleles (0.00012%); highest among the groups gnomAD compares: Non-Finnish European, 0.00017%; no homozygotes.

Submission:

Labcorp Genetics (formerly Invitae), Labcorp
Classification: Uncertain significance. Last evaluated: 2022-03-26. Review status: criteria provided, single submitter. Criteria: Invitae Variant Classification Sherloc (09022015). Collection method: clinical testing. Allele origin: germline.
Comment: This sequence change replaces glutamic acid, which is acidic and polar, with aspartic acid, which is acidic and polar, at codon 2895 of the CPLANE1 protein (p.Glu2895Asp). This variant is not present in population databases (gnomAD no frequency). This variant has not been reported in the literature in individuals affected with CPLANE1-related conditions. Advanced modeling of protein sequence and biophysical properties (such as structural, functional, and spatial information, amino acid conservation, physicochemical variation, residue mobility, and thermodynamic stability) performed at Invitae indicates that this missense variant is not expected to disrupt CPLANE1 protein function. In summary, the available evidence is currently insufficient to determine the role of this variant in disease. Therefore, it has been classified as a Variant of Uncertain Significance.

NM_001384732.1(CPLANE1):c.8847G>C (p.Glu2949Asp)

Gene: CPLANE1 (ciliogenesis and planar polarity effector complex subunit 1; minus strand). Cytogenetic location: 5p13.2.
Variant type: single nucleotide variant.
Coding change: c.8847G>C on transcript NM_001384732.1 (MANE Select); coding-DNA position 8847, G replaced by C.
Protein change: p.Glu2949Asp; replaces glutamic acid 2949 with aspartic acid.
Molecular consequence: missense variant.
Genome position (GRCh38, 1-based): chr5:37,125,355, C>G on the plus strand (G>C on the coding strand, the complement: CPLANE1 is on the minus strand). VCF-style: chr5-37125355-C-G. GRCh37 (hg19) VCF-style: chr5-37125457-C-G.
Other names: c.8685G>C, p.Glu2895Asp (NM_023073.4); short protein forms E2895D, E2949D.
Identifiers: ClinVar variation 1970901 (VCV001970901.5), dbSNP rs2546719833, ClinGen allele CA359499467.
Genomic context (GRCh38, chr5:37,125,355, plus strand): 5'-CAGCTCATTTAAGTACTTTGCCATTCTTTCTTTTCGTTTTCTTTTCATCCAGGCTTGAAT[C>G]TCTCTTCTTTCCTTGTCAGTTCTTTGTGAATGTCTGCCAGAATAATGCTGAATTCTGAGA-3'
Protein context (NP_001371661.1, residues 2939-2959): HSQRTDKERR[Glu2949Asp]IQAWMKRKRK